The following is an entry in ClinVar:

ClinVar aggregate classification (germline): Pathogenic. Review status: criteria provided, multiple submitters, no conflicts (2 of 4 stars). 2 submissions from 2 submitters: Pathogenic (2). Last evaluated 2025-10-16.

Conditions:
X-linked Alport syndrome (ATS1). Also called: COL4A5-Related Nephropathy; NEPHROPATHY AND DEAFNESS, X-LINKED. Identifiers: Orphanet 63, Orphanet 88917, MedGen C4746986, MONDO:0010520, OMIM 301050.

Submissions (2):

Victorian Clinical Genetics Services, Murdoch Childrens Research Institute
Classification: Pathogenic for X-linked Alport syndrome. Last evaluated: 2025-10-16. Review status: criteria provided, single submitter. Criteria: ACMG Guidelines, 2015. Collection method: clinical testing. Allele origin: germline.
Comment: This variant is classified as Pathogenic. Evidence in support of pathogenic classification: Canonical splice site variant without proven consequence on splicing (no functional evidence available); Variant is absent from gnomAD (v2, v3 and v4); This variant has limited previous evidence of pathogenicity in an unrelated individual. This variant has been classified as likely pathogenic by a clinical laboratory in ClinVar; Other canonical splice variant(s) comparable to the one identified in this case have strong previous evidence for pathogenicity. c.3454+1G>C has been classified as pathogenic by a clinical laboratory in ClinVar, and reported in family with Alport syndrome in the literature (PMID: 8441246). c.3454+1G>T and c.3454+2T>C have also been observed in families with Alport syndrome in the literature (PMIDs: 9848783, 29098738). RT-PCR analysis showed that both c.3454+1G>C and c.3454+2T>C cause in frame skipping of exon 38 (PMIDs: 8441246, 29098738) - Abnormal splicing is predicted by in silico tool and affected nucleotide is highly conserved. Additional information: This variant is heterozygous; This gene is associated with X-linked dominant disease. Males are typically more severely affected than females (PMID: 19965530) - No published evidence of segregation with disease has been identified for this variant; No published functional evidence has been identified for this variant; Dominant negative and loss of function are known mechanisms of disease in this gene and are associated with X-linked Alport syndrome 1 (MIM#301050). Dominant negative is caused mostly by glycine substitutions that affect the conformation of the protein, and loss of function can be caused by either protein truncating or missense variants (PMID: 24046192, 12028435); Variants in this gene are known to have variable expressivity. There is intrafamilial variability among affected carrier females, possibly due to variable X-inactivation (PMID: 14514738).

Labcorp Genetics (formerly Invitae), Labcorp
Classification: Pathogenic. Last evaluated: 2023-04-30. Review status: criteria provided, single submitter. Criteria: Invitae Variant Classification Sherloc (09022015). Collection method: clinical testing. Allele origin: germline.
Comment: This variant disrupts the triple helix domain of COL4A5. Glycine residues within the Gly-Xaa-Yaa repeats of the triple helix domain are required for the structure and stability of fibrillar collagens (PMID: 7695699, 8218237, 19344236). In COL4A5, missense variants at these glycine residues are significantly enriched in individuals with disease (PMID: 23720012, 27627812) compared to the general population (ExAC). Studies have shown that disruption of this splice site results in skipping of exon 38, but is expected to preserve the integrity of the reading-frame (PMID: 8441246). ClinVar contains an entry for this variant (Variation ID: 2022873). Disruption of this splice site has been observed in individual(s) with clinical features of Alport syndrome (PMID: 8441246, 9848783). This variant is not present in population databases (gnomAD no frequency). This sequence change affects a donor splice site in intron 38 of the COL4A5 gene. RNA analysis indicates that disruption of this splice site induces altered splicing and likely results in a shortened protein product. For these reasons, this variant has been classified as Pathogenic.

Literature cited by the submitters: PubMed 24046192 (cited by Victorian Clinical Genetics Services, Murdoch Childrens Research Institute); PubMed 29098738 (cited by Victorian Clinical Genetics Services, Murdoch Childrens Research Institute); PubMed 12028435 (cited by Victorian Clinical Genetics Services, Murdoch Childrens Research Institute); PubMed 14514738 (cited by Victorian Clinical Genetics Services, Murdoch Childrens Research Institute); PubMed 19965530 (cited by Victorian Clinical Genetics Services, Murdoch Childrens Research Institute); PubMed 8441246 (cited by Victorian Clinical Genetics Services, Murdoch Childrens Research Institute and Labcorp Genetics (formerly Invitae), Labcorp); PubMed 9848783 (cited by Victorian Clinical Genetics Services, Murdoch Childrens Research Institute and Labcorp Genetics (formerly Invitae), Labcorp); PubMed 7695699 (cited by Labcorp Genetics (formerly Invitae), Labcorp); PubMed 8218237 (cited by Labcorp Genetics (formerly Invitae), Labcorp); PubMed 19344236 (cited by Labcorp Genetics (formerly Invitae), Labcorp); PubMed 23720012 (cited by Labcorp Genetics (formerly Invitae), Labcorp); PubMed 27627812 (cited by Labcorp Genetics (formerly Invitae), Labcorp).

NM_033380.3(COL4A5):c.3454+1G>A

Gene: COL4A5 (collagen type IV alpha 5 chain; plus strand). Cytogenetic location: Xq22.3.
Variant type: single nucleotide variant.
Coding change: c.3454+1G>A on transcript NM_033380.3 (MANE Select); the canonical splice donor site of the intron after coding-DNA position 3454, G replaced by A.
Molecular consequence: splice donor variant.
Genome position (GRCh38, 1-based): chrX:108,665,588, G>A. VCF-style: chrX-108665588-G-A. GRCh37 (hg19) VCF-style: chrX-107908818-G-A.
Other names: c.3454+1G>A (NM_000495.5).
Identifiers: ClinVar variation 2022873 (VCV002022873.5), dbSNP rs281874715, ClinGen allele CA413847467.